The following is an entry in ClinVar:

ClinVar aggregate classification (germline): Pathogenic/Likely pathogenic. Review status: criteria provided, multiple submitters, no conflicts (2 of 4 stars). 3 submissions from 3 submitters: Pathogenic (1); Likely pathogenic (1). 1 of the submissions does not count toward it. Last evaluated 2024-11-30.

Conditions:
Cardiovascular phenotype. Identifiers: MedGen CN230736.
Telangiectasia, hereditary hemorrhagic, type 2 (HHT2). Also called: Telangiectasia, hereditary hemorrhagic, type II; ACVRL1-Related Hereditary Hemorrhagic Telangiectasia. Identifiers: Orphanet 774, MedGen C1838163, MONDO:0010880, OMIM 600376. Disease mechanism: loss of function.

Submissions (3):

Labcorp Genetics (formerly Invitae), Labcorp
Classification: Pathogenic for Telangiectasia, hereditary hemorrhagic, type 2. Last evaluated: 2024-11-30. Review status: criteria provided, single submitter. Criteria: Invitae Variant Classification Sherloc (09022015). Collection method: clinical testing. Allele origin: germline.
Comment: This sequence change replaces glycine, which is neutral and non-polar, with glutamic acid, which is acidic and polar, at codon 48 of the ACVRL1 protein (p.Gly48Glu). This variant is not present in population databases (gnomAD no frequency). This missense change has been observed in individual(s) with hereditary hemorrhagic telangiectasia (PMID: 17786384, 21158752, 24603890; internal data). ClinVar contains an entry for this variant (Variation ID: 156350). Invitae Evidence Modeling of protein sequence and biophysical properties (such as structural, functional, and spatial information, amino acid conservation, physicochemical variation, residue mobility, and thermodynamic stability) indicates that this missense variant is expected to disrupt ACVRL1 protein function with a positive predictive value of 95%. This variant disrupts the p.Gly48 amino acid residue in ACVRL1. Other variant(s) that disrupt this residue have been observed in individuals with ACVRL1-related conditions (PMID: 15024723, 15521985, 17786384, 21158752, 24603890), which suggests that this may be a clinically significant amino acid residue. For these reasons, this variant has been classified as Pathogenic.

Ambry Genetics
Classification: Likely pathogenic for Cardiovascular phenotype. Last evaluated: 2021-02-02. Review status: criteria provided, single submitter. Criteria: Ambry Variant Classification Scheme 2023. Collection method: clinical testing. Allele origin: germline.
Comment: The p.G48E variant (also known as c.143G>A), located in coding exon 2 of the ACVRL1 gene, results from a G to A substitution at nucleotide position 143. The glycine at codon 48 is replaced by glutamic acid, an amino acid with similar properties. This variant has been detected in individuals from hereditary hemorrhagic telangiectasia (HHT) cohorts, several of whom were indicated as having epistaxis, telangiectasia, and positive family history (Brusgaard K et al. Clin Genet, 2004 Dec;66:556-61; Olivieri C et al. J Hum Genet, 2007 Sep;52:820-829; McDonald J et al. Clin Genet, 2011 Apr;79:335-44; T&oslash;rring PM et al. PLoS One, 2014 Mar;9:e90272). Based on internal structural analysis, this alteration is predicted to be structurally deleterious (Townson SA et al. J Biol Chem. 2012 Aug;287(33):27313-25). This variant was not reported in population-based cohorts in the Genome Aggregation Database (gnomAD). This amino acid position is well conserved in available vertebrate species. In addition, this alteration is predicted to be deleterious by in silico analysis. Based on the majority of available evidence to date, this variant is likely to be pathogenic.

ClinVar Staff, National Center for Biotechnology Information (NCBI)
No classification provided. Condition: Hereditary hemorrhagic telangiectasia type 2. Review status: no classification provided. Collection method: not provided. Allele origin: not provided. Not counted in ClinVar's aggregate classification.

Literature cited by the submitters: PubMed 17786384 (cited by Labcorp Genetics (formerly Invitae), Labcorp and Ambry Genetics); PubMed 21158752 (cited by Labcorp Genetics (formerly Invitae), Labcorp and Ambry Genetics); PubMed 24603890 (cited by Labcorp Genetics (formerly Invitae), Labcorp and Ambry Genetics); PubMed 15024723 (cited by Labcorp Genetics (formerly Invitae), Labcorp); PubMed 15521985 (cited by Labcorp Genetics (formerly Invitae), Labcorp and Ambry Genetics); PubMed 22718755 (cited by Ambry Genetics).

NM_000020.3(ACVRL1):c.143G>A (p.Gly48Glu)

Gene: ACVRL1 (activin A receptor like type 1; plus strand). Cytogenetic location: 12q13.13.
Variant type: single nucleotide variant.
Coding change: c.143G>A on transcript NM_000020.3 (MANE Select); coding-DNA position 143, G replaced by A.
Protein change: p.Gly48Glu; replaces glycine 48 with glutamic acid.
Molecular consequence: missense variant.
Genome position (GRCh38, 1-based): chr12:51,913,180, G>A. VCF-style: chr12-51913180-G-A. GRCh37 (hg19) VCF-style: chr12-52306964-G-A.
Other names: c.143G>A, p.Gly48Glu (NM_001077401.2); short protein forms G48E.
Identifiers: ClinVar variation 156350 (VCV000156350.11), dbSNP rs267606632, ClinGen allele CA270765.